The following is an entry in ClinVar:

ClinVar aggregate classification (germline): Likely benign. Review status: criteria provided, multiple submitters, no conflicts (2 of 4 stars). 2 submissions from 2 submitters: Likely benign (2). Last evaluated 2025-05-01.

Conditions:
Peroxisome biogenesis disorder 2B (PBD2B). Identifiers: Orphanet 44, MedGen C3550234, MONDO:0008736, OMIM 202370.
PEX5-related disorder. Also called: PEX5-Related Disorders; PEX5-related condition.

Allele frequency attached by ClinVar (database versions not stated): TOPMed 0.00001; gnomAD exomes 0.00002; ExAC 0.00005; ESP Exome Variant Server 0.00008.

Submissions (2):

Labcorp Genetics (formerly Invitae), Labcorp
Classification: Likely benign for Peroxisome biogenesis disorder 2B. Last evaluated: 2025-05-01. Review status: criteria provided, single submitter. Criteria: Invitae Variant Classification Sherloc (09022015). Collection method: clinical testing. Allele origin: germline.

PreventionGenetics, part of Exact Sciences
Classification: Likely benign for PEX5-related condition. Last evaluated: 2024-12-12. Review status: criteria provided, single submitter. Criteria: ACMG Guidelines, 2015. Collection method: clinical testing. Allele origin: germline.
Comment: This variant is classified as likely benign based on ACMG/AMP sequence variant interpretation guidelines (Richards et al. 2015 PMID: 25741868, with internal and published modifications).

NM_001351132.2(PEX5):c.1561-5C>G

Gene: PEX5 (peroxisomal biogenesis factor 5; plus strand). Cytogenetic location: 12p13.31.
Variant type: single nucleotide variant.
Coding change: c.1561-5C>G on transcript NM_001351132.2 (MANE Select); 5 bases into the intron before coding-DNA position 1561, C replaced by G.
Molecular consequence: intron variant.
Genome position (GRCh38, 1-based): chr12:7,209,678, C>G. VCF-style: chr12-7209678-C-G. GRCh37 (hg19) VCF-style: chr12-7362274-C-G.
Other names: c.1561-5C>G (NM_001131026.2, NM_001351131.2, NM_001374647.2 and 5 more transcripts); c.1450-5C>G (NM_001351126.2, NM_001374646.1, NM_001374648.2 and 7 more transcripts); c.1426-5C>G (NM_001374649.2, NM_001351140.2, NM_001351139.2); c.1495-5C>G (NM_001351135.3, NM_001351138.2); c.1606-5C>G (NM_001131023.2); c.1552-5C>G (NM_001351136.2); c.1537-5C>G (NM_000319.5).
Identifiers: ClinVar variation 2146377 (VCV002146377.5), dbSNP rs376504870, ClinGen allele CA6426520.
Genomic context (GRCh38, chr12:7,209,678, plus strand): 5'-TGGAGTAATGTGCAGAGTTTGAGCTGAGTCAAGCTGTTCCCATCCGTTCTGCATCCCTAT[C>G]CCAGGACTATTTGCTGTGGAATAAGCTAGGCGCCACCCTGGCCAATGGAAACCAGAGTGA-3'